The following is an entry in ClinVar:

ClinVar aggregate classification (germline): Uncertain significance (1 of 4 stars; one submission).

Conditions:
COL9A3-related disorder. Also called: COL9A3-related condition.

Submission:

PreventionGenetics, part of Exact Sciences
Classification: Uncertain significance for COL9A3-related condition. Last evaluated: 2025-01-07. Review status: criteria provided, single submitter. Criteria: ACMG Guidelines, 2015. Collection method: clinical testing. Allele origin: germline.
Comment: The COL9A3 c.1409G>A variant is predicted to result in the amino acid substitution p.Ser470Asn. To our knowledge, this variant has not been reported in the literature. This variant is reported in 0.016% of alleles in individuals of East Asian descent in gnomAD. At this time, the clinical significance of this variant is uncertain due to the absence of conclusive functional and genetic evidence.

NM_001853.4(COL9A3):c.1409G>A (p.Ser470Asn)

Genes: COL9A3 (collagen type IX alpha 3 chain; plus strand), LOC126863084 (MED14-independent group 3 enhancer GRCh37_chr20:61467141-61468340; plus strand). Cytogenetic location: 20q13.33.
Variant type: single nucleotide variant.
Coding change: c.1409G>A on transcript NM_001853.4 (MANE Select); coding-DNA position 1409, G replaced by A.
Protein change: p.Ser470Asn; replaces serine 470 with asparagine.
Molecular consequence: missense variant.
Genome position (GRCh38, 1-based): chr20:62,836,194, G>A. VCF-style: chr20-62836194-G-A. GRCh37 (hg19) VCF-style: chr20-61467546-G-A.
Other names: short protein forms S470N.
Identifiers: ClinVar variation 4996982 (VCV004996982.1).